The following is an entry in ClinVar:

NM_001253.4(CDC5L):c.1745T>G (p.Met582Arg)

Gene: CDC5L (cell division cycle 5 like; plus strand). Cytogenetic location: 6p21.1.
Variant type: single nucleotide variant.
Coding change: c.1745T>G on transcript NM_001253.4 (MANE Select); coding-DNA position 1745, T replaced by G.
Protein change: p.Met582Arg; replaces methionine 582 with arginine.
Molecular consequence: missense variant.
Genome position (GRCh38, 1-based): chr6:44,426,576, T>G. VCF-style: chr6-44426576-T-G. GRCh37 (hg19) VCF-style: chr6-44394313-T-G.
Other names: short protein forms M582R.
Identifiers: ClinVar variation 2631792 (VCV002631792.1), dbSNP rs2532512495, ClinGen allele CA364324070.
Genomic context (GRCh38, chr6:44,426,576, plus strand): 5'-AACCGCCTTTAACAGATTTACAGAAAAGTGAAGAACTAATCAAAAAAGAAATGATCACAA[T>G]GCTTCATTATGACCTTCTACATCACCCTTATGAACCATCTGGAAATAAAAAAGGCAAAAC-3'
Protein context (NP_001244.1, residues 572-592): EELIKKEMIT[Met582Arg]LHYDLLHHPY

ClinVar aggregate classification (germline): Uncertain significance (1 of 4 stars; one submission).

Conditions:
CDC5L-related disorder. Also called: CDC5L-related condition.

Submission:

PreventionGenetics, part of Exact Sciences
Classification: Uncertain significance for CDC5L-related condition. Last evaluated: 2023-07-21. Review status: criteria provided, single submitter. Criteria: ACMG Guidelines, 2015. Collection method: clinical testing. Allele origin: germline.
Comment: The CDC5L c.1745T>G variant is predicted to result in the amino acid substitution p.Met582Arg. To our knowledge, this variant has not been reported in the literature or in a large population database, indicating this variant is rare. At this time, the clinical significance of this variant is uncertain due to the absence of conclusive functional and genetic evidence.